The following is an entry in ClinVar:

ClinVar aggregate classification (germline): Uncertain significance (1 of 4 stars; one submission).

Conditions:
Rhabdoid tumor predisposition syndrome 2 (RTPS2). Identifiers: Orphanet 231108, Orphanet 69077, MedGen C2750074, MONDO:0013224, OMIM 613325.

Submission:

Labcorp Genetics (formerly Invitae), Labcorp
Classification: Uncertain significance for Rhabdoid tumor predisposition syndrome 2. Last evaluated: 2025-12-02. Review status: criteria provided, single submitter. Criteria: Invitae Variant Classification Sherloc (09022015). Collection method: clinical testing. Allele origin: germline.
Comment: This sequence change replaces serine, which is neutral and polar, with cysteine, which is neutral and slightly polar, at codon 1402 of the SMARCA4 protein (p.Ser1402Cys). This variant is not present in population databases (gnomAD no frequency). This variant has not been reported in the literature in individuals affected with SMARCA4-related conditions. An algorithm developed to predict the effect of missense changes on protein structure and function (PolyPhen-2) suggests that this variant is likely to be tolerated. In summary, the available evidence is currently insufficient to determine the role of this variant in disease. Therefore, it has been classified as a Variant of Uncertain Significance.

NM_001387283.1(SMARCA4):c.4204A>T (p.Ser1402Cys)

Gene: SMARCA4 (SWI/SNF related BAF chromatin remodeling complex subunit ATPase 4; plus strand). Cytogenetic location: 19p13.2.
Variant type: single nucleotide variant.
Coding change: c.4204A>T on transcript NM_001387283.1 (MANE Plus Clinical); coding-DNA position 4204, A replaced by T.
Protein change: p.Ser1402Cys; replaces serine 1402 with cysteine.
Molecular consequence: missense variant. On other transcripts: intron variant (7).
Genome position (GRCh38, 1-based): chr19:11,039,491, A>T. VCF-style: chr19-11039491-A-T. GRCh37 (hg19) VCF-style: chr19-11150167-A-T.
Other names: c.4204A>T, p.Ser1402Cys (NM_001128849.3); c.4105A>T, p.Ser1369Cys (NM_001411150.1); c.4171-1816A>T (NM_001128844.3, NM_003072.5); c.4072-1816A>T (NM_001128847.4, NM_001374457.1, NM_001128848.2); c.4072-1807A>T (NM_001128845.2, NM_001128846.2); short protein forms S1369C, S1402C.
Identifiers: ClinVar variation 4732379 (VCV004732379.1).